The following is an entry in ClinVar:

ClinVar aggregate classification (germline): Benign. Review status: criteria provided, multiple submitters, no conflicts (2 of 4 stars). 4 submissions from 4 submitters: Benign (3). 1 of the submissions does not count toward it. Last evaluated 2026-08-01.

Conditions:
PHF21A-related disorder. Also called: PHF21A-related condition.

Allele frequency attached by ClinVar (database versions not stated): 1000 Genomes Project 30x 0.00281; 1000 Genomes Project 0.00300; ESP Exome Variant Server 0.00515; gnomAD 0.00557 and 0.00566; TOPMed 0.00590; gnomAD exomes 0.00679 and 0.00718; ExAC 0.00690.
gnomAD v4.1: 11,371 of 1,601,006 alleles (0.71%); highest among the groups gnomAD compares: Middle Eastern, 3.2%; 75 homozygotes.

Submissions (4):

CeGaT Center for Human Genetics Tuebingen
Classification: Benign. Last evaluated: 2026-08-01. Review status: criteria provided, single submitter. Criteria: CeGaT Center For Human Genetics Tuebingen Variant Classification Criteria Version 2. Collection method: clinical testing. Allele origin: germline. Affected: yes. Observed: 28 variant alleles.
Comment: PHF21A: BP4, BP7, BS1, BS2

Labcorp Genetics (formerly Invitae), Labcorp
Classification: Benign. Last evaluated: 2026-01-29. Review status: criteria provided, single submitter. Criteria: Invitae Variant Classification Sherloc (09022015). Collection method: clinical testing. Allele origin: germline.

Breakthrough Genomics
Classification: Benign. Review status: criteria provided, single submitter. Criteria: ACMG Guidelines, 2015. Collection method: not provided. Allele origin: germline. Inheritance: Autosomal dominant inheritance. Affected: yes.

PreventionGenetics, part of Exact Sciences
Classification: Benign for PHF21A-related condition. Last evaluated: 2019-02-28. Review status: no assertion criteria provided. Collection method: clinical testing. Allele origin: germline. Not counted in ClinVar's aggregate classification.
Comment: This variant is classified as benign based on ACMG/AMP sequence variant interpretation guidelines (Richards et al. 2015 PMID: 25741868, with internal and published modifications).

NM_001352027.3(PHF21A):c.771T>A (p.Ala257=)

Gene: PHF21A (PHD finger protein 21A; minus strand). Cytogenetic location: 11p11.2.
Variant type: single nucleotide variant.
Coding change: c.771T>A on transcript NM_001352027.3 (MANE Select); coding-DNA position 771, T replaced by A.
Protein change: p.Ala257=; no amino-acid change (alanine 257 retained).
Molecular consequence: synonymous variant. On other transcripts: non-coding transcript variant (2).
Genome position (GRCh38, 1-based): chr11:45,965,540, A>T on the plus strand (T>A on the coding strand, the complement: PHF21A is on the minus strand). VCF-style: chr11-45965540-A-T. GRCh37 (hg19) VCF-style: chr11-45987091-A-T.
Other names: c.771T>A (NM_016621.3); c.768T>A, p.Ala256= (NM_001101802.3, NM_001352030.3, NM_001352031.3 and 1 more transcripts); c.771T>A, p.Ala257= (NM_001352025.3, NM_001352026.3, NM_001352028.1 and 2 more transcripts).
Identifiers: ClinVar variation 781677 (VCV000781677.34), dbSNP rs151169176, ClinGen allele CA5961281.